The following is an entry in ClinVar:

ClinVar aggregate classification (germline): Uncertain significance (1 of 4 stars; one submission).

Conditions:
Nephronophthisis 18 (NPHP18). Identifiers: Orphanet 655, MedGen C3890591, MONDO:0014374, OMIM 615862.

Allele frequency attached by ClinVar (database versions not stated): gnomAD exomes below 0.00001; ExAC 0.00001; gnomAD 0.00001; TOPMed 0.00001.
gnomAD v4.1: 5 of 1,613,372 alleles (0.00031%); highest among the groups gnomAD compares: African/African-American, 0.0027%; no homozygotes.

Submission:

Labcorp Genetics (formerly Invitae), Labcorp
Classification: Uncertain significance for Nephronophthisis 18. Last evaluated: 2020-09-29. Review status: criteria provided, single submitter. Criteria: Invitae Variant Classification Sherloc (09022015). Collection method: clinical testing. Allele origin: germline.
Comment: This sequence change replaces cysteine with arginine at codon 42 of the CEP83 protein (p.Cys42Arg). The cysteine residue is highly conserved and there is a large physicochemical difference between cysteine and arginine. This variant is present in population databases (rs778603039, ExAC 0.001%). This variant has not been reported in the literature in individuals with CEP83-related conditions. Algorithms developed to predict the effect of missense changes on protein structure and function are either unavailable or do not agree on the potential impact of this missense change (SIFT: Not Available; PolyPhen-2: Benign; Align-GVGD: Not Available). In summary, the available evidence is currently insufficient to determine the role of this variant in disease. Therefore, it has been classified as a Variant of Uncertain Significance.

NM_016122.3(CEP83):c.124T>C (p.Cys42Arg)

Gene: CEP83 (centrosomal protein 83; minus strand). Cytogenetic location: 12q22.
Variant type: single nucleotide variant.
Coding change: c.124T>C on transcript NM_016122.3 (MANE Select); coding-DNA position 124, T replaced by C.
Protein change: p.Cys42Arg; replaces cysteine 42 with arginine.
Molecular consequence: missense variant. On other transcripts: non-coding transcript variant (1), intron variant (6).
Genome position (GRCh38, 1-based): chr12:94,412,367, A>G on the plus strand (T>C on the coding strand, the complement: CEP83 is on the minus strand). VCF-style: chr12-94412367-A-G. GRCh37 (hg19) VCF-style: chr12-94806143-A-G.
Other names: c.124T>C, p.Cys42Arg (NM_001042399.2, NM_001346457.2, NM_001346460.2 and 4 more transcripts); c.-140+150T>C (NM_001346459.2, NM_001346458.2, NM_001368040.1 and 3 more transcripts); short protein forms C42R.
Identifiers: ClinVar variation 1010157 (VCV001010157.1), dbSNP rs778603039, ClinGen allele CA6722034.